The following is an entry in ClinVar:

NM_004068.4(AP2M1):c.911A>C (p.Lys304Thr)

Gene: AP2M1 (adaptor related protein complex 2 subunit mu 1; plus strand). Cytogenetic location: 3q27.1.
Variant type: single nucleotide variant.
Coding change: c.911A>C on transcript NM_004068.4 (MANE Select); coding-DNA position 911, A replaced by C.
Protein change: p.Lys304Thr; replaces lysine 304 with threonine.
Molecular consequence: missense variant.
Genome position (GRCh38, 1-based): chr3:184,181,995, A>C. VCF-style: chr3-184181995-A-C. GRCh37 (hg19) VCF-style: chr3-183899783-A-C.
Other names: c.905A>C, p.Lys302Thr (NM_001025205.2); c.986A>C, p.Lys329Thr (NM_001311198.2); short protein forms K302T, K304T, K329T.
Identifiers: ClinVar variation 1299229 (VCV001299229.1), dbSNP rs2109031749, ClinGen allele CA355428218.

ClinVar aggregate classification (germline): Uncertain significance (1 of 4 stars; one submission).

Conditions:
Intellectual developmental disorder 60 with seizures. Also called: MENTAL RETARDATION, AUTOSOMAL DOMINANT 60, WITH SEIZURES; INTELLECTUAL DEVELOPMENTAL DISORDER, AUTOSOMAL DOMINANT 60, WITH SEIZURES. Identifiers: MedGen C5231497, MONDO:0032823, OMIM 618587.

Submission:

Breda Genetics srl
Classification: Uncertain significance for Intellectual developmental disorder 60 with seizures. Last evaluated: 2021-01-22. Review status: criteria provided, single submitter. Criteria: ACMG Guidelines, 2015. Collection method: clinical testing. Allele origin: germline. Inheritance: Autosomal dominant inheritance. Affected: yes. Observed: 1 variant allele, 1 heterozygote.
Comment: Based on allele frequency, in-silico prediction scores and a certain overlap with the clinical phenotype, we interpreted this variant at least as of uncertain significance. The lack of one or more of the following features has discouraged further investigations: lack of a possible second hit in autosomal recessive conditions, presence of healthy controls in databases for autosomal dominant conditions, presence of unmatching cardinal clinical features in the patient or in the known gene-disease association, and/or variant type outside the known gene mutational spectrum.